The following is an entry in ClinVar:

ClinVar aggregate classification (germline): Benign. Review status: criteria provided, multiple submitters, no conflicts (2 of 4 stars). 4 submissions from 4 submitters: Benign (4). Last evaluated 2020-01-30.

Conditions:
Autosomal recessive early-onset Parkinson disease 7. Identifiers: Orphanet 2828, MedGen C1853445, MONDO:0011658, OMIM 606324.

Allele frequency attached by ClinVar (database versions not stated): gnomAD exomes 0.00965; ExAC 0.01164; ESP Exome Variant Server 0.03691; gnomAD 0.03865 and 0.04157; TOPMed 0.03990; 1000 Genomes Project 30x 0.04169; 1000 Genomes Project 0.04393.
gnomAD v4.1: 9,703 of 1,235,092 alleles (0.79%); highest among the groups gnomAD compares: African/African-American, 14%; 546 homozygotes.

Submissions (13):

Athena Diagnostics
Classification: Benign. Last evaluated: 2020-01-30. Review status: criteria provided, single submitter. Criteria: Athena Diagnostics Criteria. Collection method: clinical testing. Allele origin: unknown.

GeneDx
Classification: Benign. Last evaluated: 2018-08-17. Review status: criteria provided, single submitter. Criteria: GeneDx Variant Classification Process June 2021. Collection method: clinical testing. Allele origin: germline. Affected: yes.

Illumina Laboratory Services, Illumina
Classification: Benign for Autosomal recessive early-onset Parkinson disease 7. Last evaluated: 2018-01-13. Review status: criteria provided, single submitter. Criteria: ICSL Variant Classification Criteria 13 December 2019. Collection method: clinical testing. Allele origin: germline.
Comment: This variant was observed in the ICSL laboratory as part of a predisposition screen in an ostensibly healthy population. It had not been previously curated by ICSL or reported in the Human Gene Mutation Database (HGMD: prior to June 1st, 2018), and was therefore a candidate for classification through an automated scoring system. Utilizing variant allele frequency, disease prevalence and penetrance estimates, and inheritance mode, an automated score was calculated to assess if this variant is too frequent to cause the disease. Based on the score and internal cut-off values, a variant classified as benign is not then subjected to further curation. The score for this variant resulted in a classification of benign for this disease.

Breakthrough Genomics
Classification: Benign. Review status: criteria provided, single submitter. Criteria: ACMG Guidelines, 2015. Collection method: not provided. Allele origin: germline. Inheritance: Autosomal recessive inheritance. Affected: yes.

Dr. Peter K. Rogan Lab, Western University
No classification provided (evidence only). Condition: Lung cancer. Review status: no classification provided. Collection method: in vitro. Allele origin: not applicable. Functional consequence: retained intron. Not counted in ClinVar's aggregate classification.

Dr. Peter K. Rogan Lab, Western University
No classification provided (evidence only). Condition: Lung cancer. Review status: no classification provided. Collection method: in vitro. Allele origin: not applicable. Functional consequence: retained intron. Not counted in ClinVar's aggregate classification.

Dr. Peter K. Rogan Lab, Western University
No classification provided (evidence only). Condition: Uterine corpus endometrial carcinoma. Review status: no classification provided. Collection method: in vitro. Allele origin: not applicable. Functional consequence: retained intron. Not counted in ClinVar's aggregate classification.

Dr. Peter K. Rogan Lab, Western University
No classification provided (evidence only). Condition: Uterine corpus endometrial carcinoma. Review status: no classification provided. Collection method: in vitro. Allele origin: not applicable. Functional consequence: retained intron. Not counted in ClinVar's aggregate classification.

Dr. Peter K. Rogan Lab, Western University
No classification provided (evidence only). Condition: Uterine corpus endometrial carcinoma. Review status: no classification provided. Collection method: in vitro. Allele origin: not applicable. Functional consequence: retained intron. Not counted in ClinVar's aggregate classification.

Dr. Peter K. Rogan Lab, Western University
No classification provided (evidence only). Condition: Uterine corpus endometrial carcinoma. Review status: no classification provided. Collection method: in vitro. Allele origin: not applicable. Functional consequence: retained intron. Not counted in ClinVar's aggregate classification.

Dr. Peter K. Rogan Lab, Western University
No classification provided (evidence only). Condition: Cervical cancer. Review status: no classification provided. Collection method: in vitro. Allele origin: not applicable. Functional consequence: retained intron. Not counted in ClinVar's aggregate classification.

Dr. Peter K. Rogan Lab, Western University
No classification provided (evidence only). Condition: Cervical cancer. Review status: no classification provided. Collection method: in vitro. Allele origin: not applicable. Functional consequence: retained intron. Not counted in ClinVar's aggregate classification.

Dr. Peter K. Rogan Lab, Western University
No classification provided (evidence only). Condition: Sarcoma. Review status: no classification provided. Collection method: in vitro. Allele origin: not applicable. Functional consequence: skipped exon. Not counted in ClinVar's aggregate classification.

NM_007262.5(PARK7):c.-22C>T

Gene: PARK7 (Parkinsonism associated deglycase; plus strand). Cytogenetic location: 1p36.23.
Variant type: single nucleotide variant.
Coding change: c.-22C>T on transcript NM_007262.5 (MANE Select); 22 bases upstream of the start codon, C replaced by T.
Molecular consequence: 5 prime UTR variant.
Genome position (GRCh38, 1-based): chr1:7,962,764, C>T. VCF-style: chr1-7962764-C-T. GRCh37 (hg19) VCF-style: chr1-8022824-C-T.
Other names: NC_000001.10:g.8022824C>T; c.-22C>T (NM_001123377.2).
Identifiers: ClinVar variation 298117 (VCV000298117.11), dbSNP rs11548933, ClinGen allele CA569394.